The following is an entry in ClinVar:

NM_001267550.2(TTN):c.66703G>A (p.Val22235Ile)

Genes: TTN (titin; minus strand), TTN-AS1 (TTN antisense RNA 1; plus strand). Cytogenetic location: 2q31.2.
Variant type: single nucleotide variant.
Coding change: c.66703G>A on transcript NM_001267550.2 (MANE Select); coding-DNA position 66703, G replaced by A.
Protein change: p.Val22235Ile; replaces valine 22235 with isoleucine.
Molecular consequence: missense variant.
Genome position (GRCh38, 1-based): chr2:178,581,565, C>T on the plus strand (G>A on the coding strand, the complement: TTN is on the minus strand). VCF-style: chr2-178581565-C-T. GRCh37 (hg19) VCF-style: chr2-179446292-C-T.
Other names: c.61780G>A, p.Val20594Ile (NM_001256850.1); c.39508G>A, p.Val13170Ile (NM_003319.4); c.58999G>A, p.Val19667Ile (NM_133378.4); c.39883G>A, p.Val13295Ile (NM_133432.3); c.40084G>A, p.Val13362Ile (NM_133437.4); short protein forms V22235I, V20594I, V19667I, V13295I, V13362I, V13170I.
Identifiers: ClinVar variation 467392 (VCV000467392.17), dbSNP rs751354601, ClinGen allele CA1991458.

ClinVar aggregate classification (germline): Conflicting classifications of pathogenicity. Review status: criteria provided, conflicting classifications (1 of 4 stars). 8 submissions from 8 submitters: Uncertain significance (6); Likely benign (2). Last evaluated 2026-04-29.

Conditions:
Cardiovascular phenotype. Identifiers: MedGen CN230736.
Autosomal recessive limb-girdle muscular dystrophy type 2J (LGMDR10). Also called: Limb-girdle muscular dystrophy, type 2J; MUSCULAR DYSTROPHY, LIMB-GIRDLE, AUTOSOMAL RECESSIVE 10. Identifiers: Orphanet 140922, MedGen C1837342, MONDO:0012127, OMIM 608807.
Dilated cardiomyopathy 1G (CMD1G). Identifiers: Orphanet 154, MedGen C1858763, MONDO:0011400, OMIM 604145.
TTN-related disorder. Also called: TTN-related condition; TTN-related disease; TTN-related disorders.
Cardiomyopathy (CMYO). Also called: Cardiomyopathies. Identifiers: Orphanet 167848, MedGen C0878544, MONDO:0004994, HP:0001638. Inheritance: Various modes of inheritance.

Allele frequency attached by ClinVar (database versions not stated): gnomAD exomes 0.00009 and 0.00011; gnomAD 0.00011; ExAC 0.00014; TOPMed 0.00014.
gnomAD v4.1: 154 of 1,612,272 alleles (0.0096%); highest among the groups gnomAD compares: African/African-American, 0.031%; no homozygotes.

Submissions (8):

PreventionGenetics, part of Exact Sciences
Classification: Uncertain significance for TTN-related condition. Last evaluated: 2026-04-29. Review status: criteria provided, single submitter. Criteria: ACMG Guidelines, 2015. Collection method: clinical testing. Allele origin: germline.
Comment: The TTN c.66703G>A variant is predicted to result in the amino acid substitution p.Val22235Ile. To our knowledge, this variant has not been reported in the literature. This variant is reported in 0.029% of alleles in individuals of African descent in gnomAD. Although we suspect that this variant may be benign, at this time, the clinical significance of this variant is uncertain due to the absence of conclusive functional and genetic evidence.

Women's Health and Genetics/Laboratory Corporation of America, LabCorp
Classification: Uncertain significance. Last evaluated: 2025-06-03. Review status: criteria provided, single submitter. Criteria: LabCorp Variant Classification Summary - May 2015. Collection method: clinical testing. Allele origin: germline.
Comment: Variant summary: TTN c.58999G>A (p.Val19667Ile) results in a conservative amino acid change located in the A-band of the encoded protein sequence. Algorithms developed to predict the effect of missense changes on protein structure and function are either unavailable or do not agree on the potential impact of this missense change. The variant allele was found at a frequency of 0.00011 in 247668 control chromosomes. This frequency is not significantly higher than estimated for a pathogenic variant in TTN causing Dilated Cardiomyopathy (0.00011 vs 0.00039), allowing no conclusion about variant significance. To our knowledge, no occurrence of c.58999G>A in individuals affected with Dilated Cardiomyopathy and no experimental evidence demonstrating its impact on protein function have been reported. ClinVar contains an entry for this variant (Variation ID: 467392). Based on the evidence outlined above, the variant was classified as uncertain significance.

Revvity Omics, Revvity
Classification: Uncertain significance. Last evaluated: 2023-07-19. Review status: criteria provided, single submitter. Criteria: ACMG Guidelines, 2015. Collection method: clinical testing. Allele origin: germline.

Ambry Genetics
Classification: Uncertain significance for Cardiovascular phenotype. Last evaluated: 2019-12-05. Review status: criteria provided, single submitter. Criteria: Ambry Variant Classification Scheme 2023. Collection method: clinical testing. Allele origin: germline.
Comment: The p.V13170I variant (also known as c.39508G>A), located in coding exon 143 of the TTN gene, results from a G to A substitution at nucleotide position 39508. The valine at codon 13170 is replaced by isoleucine, an amino acid with highly similar properties. This amino acid position is highly conserved in available vertebrate species. In addition, this alteration is predicted to be tolerated by in silico analysis. Since supporting evidence is limited at this time, the clinical significance of this alteration remains unclear.

GeneDx
Classification: Likely benign. Last evaluated: 2018-01-05. Review status: criteria provided, single submitter. Criteria: GeneDx Variant Classification (06012015). Collection method: clinical testing. Allele origin: germline. Affected: yes.
Comment: This variant is considered likely benign or benign based on one or more of the following criteria: it is a conservative change, it occurs at a poorly conserved position in the protein, it is predicted to be benign by multiple in silico algorithms, and/or has population frequency not consistent with disease.

CHEO Genetics Diagnostic Laboratory, Children's Hospital of Eastern Ontario
Classification: Likely benign for Cardiomyopathy. Last evaluated: 2017-11-10. Review status: criteria provided, single submitter. Criteria: ACMG Guidelines, 2015. Collection method: clinical testing. Allele origin: germline.

Labcorp Genetics (formerly Invitae), Labcorp
Classification: Uncertain significance for Dilated cardiomyopathy 1G; Autosomal recessive limb-girdle muscular dystrophy type 2J. Last evaluated: 2017-11-04. Review status: criteria provided, single submitter. Criteria: Invitae Variant Classification Sherloc (09022015). Collection method: clinical testing. Allele origin: germline.

Eurofins Ntd Llc (ga)
Classification: Uncertain significance. Last evaluated: 2017-10-02. Review status: criteria provided, single submitter. Criteria: EGL Classification Definitions 2015. Collection method: clinical testing. Allele origin: germline. Observed: 2 variant alleles, 2 heterozygotes.